The following is an entry in ClinVar:

NM_007289.4(MME):c.1094+1G>T

Gene: MME (membrane metalloendopeptidase; plus strand). Cytogenetic location: 3q25.2.
Variant type: single nucleotide variant.
Coding change: c.1094+1G>T on transcript NM_007289.4 (MANE Select); the canonical splice donor site of the intron after coding-DNA position 1094, G replaced by T.
Molecular consequence: splice donor variant.
Genome position (GRCh38, 1-based): chr3:155,142,128, G>T. VCF-style: chr3-155142128-G-T. GRCh37 (hg19) VCF-style: chr3-154859917-G-T.
Other names: c.1094+1G>T (NM_001354642.2, NM_000902.5, NM_007287.4 and 2 more transcripts).
Identifiers: ClinVar variation 3652288 (VCV003652288.2).

ClinVar aggregate classification (germline): Likely pathogenic (1 of 4 stars; one submission).

Submission:

Labcorp Genetics (formerly Invitae), Labcorp
Classification: Likely pathogenic. Last evaluated: 2024-05-13. Review status: criteria provided, single submitter. Criteria: Invitae Variant Classification Sherloc (09022015). Collection method: clinical testing. Allele origin: germline.
Comment: This sequence change affects a donor splice site in intron 11 of the MME gene. It is expected to disrupt RNA splicing. Variants that disrupt the donor or acceptor splice site typically lead to a loss of protein function (PMID: 16199547), and loss-of-function variants in MME are known to be pathogenic (PMID: 26991897). This variant is not present in population databases (gnomAD no frequency). This variant has not been reported in the literature in individuals affected with MME-related conditions. Algorithms developed to predict the effect of sequence changes on RNA splicing suggest that this variant may disrupt the consensus splice site. In summary, the currently available evidence indicates that the variant is pathogenic, but additional data are needed to prove that conclusively. Therefore, this variant has been classified as Likely Pathogenic.

Literature cited by the submitters: PubMed 16199547; PubMed 26991897.